The following is an entry in ClinVar:

NM_001377.3(DYNC2H1):c.4962A>T (p.Glu1654Asp)

Gene: DYNC2H1 (dynein cytoplasmic 2 heavy chain 1; plus strand). Cytogenetic location: 11q22.3.
Variant type: single nucleotide variant.
Coding change: c.4962A>T on transcript NM_001377.3 (MANE Select); coding-DNA position 4962, A replaced by T.
Protein change: p.Glu1654Asp; replaces glutamic acid 1654 with aspartic acid.
Molecular consequence: missense variant.
Genome position (GRCh38, 1-based): chr11:103,168,954, A>T. VCF-style: chr11-103168954-A-T. GRCh37 (hg19) VCF-style: chr11-103039683-A-T.
Other names: c.4962A>T, p.Glu1654Asp (NM_001080463.2); short protein forms E1654D.
Identifiers: ClinVar variation 1425274 (VCV001425274.3), dbSNP rs751762562, ClinGen allele CA6253663.

ClinVar aggregate classification (germline): Uncertain significance (1 of 4 stars; one submission).

Conditions:
Jeune thoracic dystrophy. Also called: Jeune syndrome; Infantile thoracic dystrophy; Thoracic pelvic phalangeal dystrophy; Jeune's syndrome; Chondroectodermal dysplasia-like syndrome; Short-rib thoracic dysplasia. Identifiers: Orphanet 474, MedGen C0265275, MONDO:0018770.

Allele frequency attached by ClinVar (database versions not stated): gnomAD exomes 0.00001 and 0.00003; TOPMed 0.00002; ExAC 0.00004.
gnomAD v4.1: 8 of 1,609,126 alleles (0.0005%); highest among the groups gnomAD compares: Admixed American, 0.013%; no homozygotes.

Submission:

Labcorp Genetics (formerly Invitae), Labcorp
Classification: Uncertain significance for Jeune thoracic dystrophy. Last evaluated: 2021-12-07. Review status: criteria provided, single submitter. Criteria: Invitae Variant Classification Sherloc (09022015). Collection method: clinical testing. Allele origin: germline.
Comment: This sequence change replaces glutamic acid, which is acidic and polar, with aspartic acid, which is acidic and polar, at codon 1654 of the DYNC2H1 protein (p.Glu1654Asp). This variant is present in population databases (rs751762562, gnomAD 0.02%). This variant has not been reported in the literature in individuals affected with DYNC2H1-related conditions. Algorithms developed to predict the effect of missense changes on protein structure and function (SIFT, PolyPhen-2, Align-GVGD) all suggest that this variant is likely to be disruptive. In summary, the available evidence is currently insufficient to determine the role of this variant in disease. Therefore, it has been classified as a Variant of Uncertain Significance.